The following is an entry in ClinVar:

ClinVar aggregate classification (germline): Pathogenic/Likely pathogenic. Review status: criteria provided, multiple submitters, no conflicts (2 of 4 stars). 5 submissions from 5 submitters: Pathogenic (3); Likely pathogenic (2). Last evaluated 2024-04-28.

Conditions:
Hereditary cancer-predisposing syndrome. Also called: Neoplastic Syndromes, Hereditary; Hereditary Cancer Syndrome; Hereditary neoplastic syndrome; Tumor predisposition. Identifiers: Orphanet 140162, MedGen C0027672, MeSH D009386, MONDO:0015356.
Fumarase deficiency (FMRD). Also called: Fumaric aciduria; Fumarate Hydratase Deficiency. Identifiers: Orphanet 24, MedGen C0342770, MONDO:0011730, OMIM 606812.
Hereditary leiomyomatosis and renal cell cancer. Also called: MULTIPLE CUTANEOUS AND UTERINE LEIOMYOMATA 1, WITH OR WITHOUT RENAL CELL CARCINOMA; Familial leiomyomatosis; LEIOMYOMA, MULTIPLE CUTANEOUS; FH tumor predisposition syndrome; Multiple cutaneous leiomyomas; Reed syndrome. Identifiers: Orphanet 523, MedGen C1708350, MONDO:0007888, OMIM 150800, HP:0007437. Disease mechanism: loss of function.

Submissions (5):

Molecular Pathology, Peter Maccallum Cancer Centre
Classification: Likely pathogenic for Hereditary leiomyomatosis and renal cell cancer. Last evaluated: 2024-04-28. Review status: criteria provided, single submitter. Criteria: ACMG Guidelines, 2015. Collection method: clinical testing. Allele origin: germline. Inheritance: Autosomal dominant inheritance.

Labcorp Genetics (formerly Invitae), Labcorp
Classification: Pathogenic. Last evaluated: 2023-12-08. Review status: criteria provided, single submitter. Criteria: Invitae Variant Classification Sherloc (09022015). Collection method: clinical testing. Allele origin: germline.
Comment: This sequence change creates a premature translational stop signal (p.Leu482*) in the FH gene. While this is not anticipated to result in nonsense mediated decay, it is expected to disrupt the last 29 amino acid(s) of the FH protein. This variant is not present in population databases (gnomAD no frequency). This variant has not been reported in the literature in individuals affected with FH-related conditions. ClinVar contains an entry for this variant (Variation ID: 423941). This variant disrupts a region of the FH protein in which other variant(s) (p.Trp500*) have been determined to be pathogenic (PMID: 9635293, 21398687). This suggests that this is a clinically significant region of the protein, and that variants that disrupt it are likely to be disease-causing. For these reasons, this variant has been classified as Pathogenic.

Baylor Genetics
Classification: Pathogenic for Fumarase deficiency. Last evaluated: 2023-07-16. Review status: criteria provided, single submitter. Criteria: ACMG Guidelines, 2015. Collection method: clinical testing. Allele origin: unknown.

Ambry Genetics
Classification: Pathogenic for Hereditary cancer-predisposing syndrome. Last evaluated: 2022-11-04. Review status: criteria provided, single submitter. Criteria: Ambry Variant Classification Scheme 2023. Collection method: clinical testing. Allele origin: germline.
Comment: The p.L482* pathogenic mutation (also known as c.1445T>G), located in coding exon 10 of the FH gene, results from a T to G substitution at nucleotide position 1445. This changes the amino acid from a leucine to a stop codon within coding exon 10. This alteration occurs at the 3' terminus of theFH gene, is not expected to trigger nonsense-mediated mRNA decay, and only impacts the last 29 amino acids of the protein. However, premature stop codons are typically deleterious in nature and the impacted region is critical for protein function (Ambry internal data). This alteration was identified in a patient with a personal history of papillary type 2 renal cell carcinoma (Al-Shinnag M et al. Front Oncol, 2021 Sep;11:738822). This variant is considered to be rare based on population cohorts in the Genome Aggregation Database (gnomAD). Based on the supporting evidence, this alteration is interpreted as a disease-causing mutation.

GeneDx
Classification: Likely pathogenic. Last evaluated: 2018-08-28. Review status: criteria provided, single submitter. Criteria: GeneDx Variant Classification (06012015). Collection method: clinical testing. Allele origin: germline. Affected: yes.
Comment: The L482X nonsense variant in the FH gene has it been reported as a benign variant to our knowledge. This variant is predicted to cause loss of normal protein function through protein truncation. Based on currently available evidence, L482X is a strong candidate for a pathogenic variant. However, the possibility it is a rare benign variant cannot be excluded.

Literature cited by the submitters: PubMed 9635293 (cited by Labcorp Genetics (formerly Invitae), Labcorp); PubMed 21398687 (cited by Labcorp Genetics (formerly Invitae), Labcorp); PubMed 34604083 (cited by Ambry Genetics).

NM_000143.4(FH):c.1445T>G (p.Leu482Ter)

Gene: FH (fumarate hydratase; minus strand). Cytogenetic location: 1q43.
Variant type: single nucleotide variant.
Coding change: c.1445T>G on transcript NM_000143.4 (MANE Select); coding-DNA position 1445, T replaced by G.
Protein change: p.Leu482Ter; replaces leucine 482 with a stop codon.
Molecular consequence: nonsense.
Genome position (GRCh38, 1-based): chr1:241,497,916, A>C on the plus strand (T>G on the coding strand, the complement: FH is on the minus strand). VCF-style: chr1-241497916-A-C. GRCh37 (hg19) VCF-style: chr1-241661216-A-C.
Other names: short protein forms L482*.
Identifiers: ClinVar variation 423941 (VCV000423941.14), dbSNP rs1064796708, ClinGen allele CA16617112.